The following is an entry in ClinVar:

ClinVar aggregate classification (germline): Uncertain significance (1 of 4 stars; one submission).

Submission:

GeneDx
Classification: Uncertain significance. Last evaluated: 2025-04-01. Review status: criteria provided, single submitter. Criteria: GeneDx Variant Classification Process June 2021. Collection method: clinical testing. Allele origin: germline. Affected: yes.
Comment: Not observed at significant frequency in large population cohorts (gnomAD); Has not been previously published as pathogenic or benign to our knowledge; In-silico analysis is inconclusive as to whether the variant impacts protein structure/function. In the absence of functional studies, the actual effect of this sequence change is unknown

NM_019066.5(MAGEL2):c.1034T>C (p.Ile345Thr)

Gene: MAGEL2 (MAGE family member L2; minus strand). Cytogenetic location: 15q11.2.
Variant type: single nucleotide variant.
Coding change: c.1034T>C on transcript NM_019066.5 (MANE Select); coding-DNA position 1034, T replaced by C.
Protein change: p.Ile345Thr; replaces isoleucine 345 with threonine.
Molecular consequence: missense variant.
Genome position (GRCh38, 1-based): chr15:23,646,709, A>G on the plus strand (T>C on the coding strand, the complement: MAGEL2 is on the minus strand). VCF-style: chr15-23646709-A-G. GRCh37 (hg19) VCF-style: chr15-23891856-A-G.
Other names: short protein forms I345T.
Identifiers: ClinVar variation 4278809 (VCV004278809.1).